The following is an entry in ClinVar:

ClinVar aggregate classification (germline): Uncertain significance (1 of 4 stars; one submission).

Conditions:
Facioscapulohumeral muscular dystrophy 2 (FSHD2). Also called: MUSCULAR DYSTROPHY, FACIOSCAPULOHUMERAL, TYPE 1B; FACIOSCAPULOHUMERAL MUSCULAR DYSTROPHY 2, DIGENIC; FSHD2, DIGENIC. Identifiers: Orphanet 269, MedGen C1834671, MONDO:0008031, OMIM 158901.

Submission:

Labcorp Genetics (formerly Invitae), Labcorp
Classification: Uncertain significance for Facioscapulohumeral muscular dystrophy 2. Last evaluated: 2022-10-13. Review status: criteria provided, single submitter. Criteria: Invitae Variant Classification Sherloc (09022015). Collection method: clinical testing. Allele origin: germline.
Comment: This variant is not present in population databases (gnomAD no frequency). This sequence change replaces leucine, which is neutral and non-polar, with methionine, which is neutral and non-polar, at codon 904 of the SMCHD1 protein (p.Leu904Met). This variant has not been reported in the literature in individuals affected with SMCHD1-related conditions. In summary, the available evidence is currently insufficient to determine the role of this variant in disease. Therefore, it has been classified as a Variant of Uncertain Significance. Advanced modeling of protein sequence and biophysical properties (such as structural, functional, and spatial information, amino acid conservation, physicochemical variation, residue mobility, and thermodynamic stability) performed at Invitae indicates that this missense variant is not expected to disrupt SMCHD1 protein function.

NM_015295.3(SMCHD1):c.2710C>A (p.Leu904Met)

Gene: SMCHD1 (structural maintenance of chromosomes flexible hinge domain containing 1; plus strand). Cytogenetic location: 18p11.32.
Variant type: single nucleotide variant.
Coding change: c.2710C>A on transcript NM_015295.3 (MANE Select); coding-DNA position 2710, C replaced by A.
Protein change: p.Leu904Met; replaces leucine 904 with methionine.
Molecular consequence: missense variant.
Genome position (GRCh38, 1-based): chr18:2,726,461, C>A. VCF-style: chr18-2726461-C-A. GRCh37 (hg19) VCF-style: chr18-2726459-C-A.
Other names: short protein forms L904M.
Identifiers: ClinVar variation 2096699 (VCV002096699.4), dbSNP rs2075029524, ClinGen allele CA401682465.